The following is an entry in ClinVar:

NM_005236.3(ERCC4):c.1400A>G (p.Lys467Arg)

Gene: ERCC4 (ERCC excision repair 4, endonuclease catalytic subunit; plus strand). Cytogenetic location: 16p13.12.
Variant type: single nucleotide variant.
Coding change: c.1400A>G on transcript NM_005236.3 (MANE Select); coding-DNA position 1400, A replaced by G.
Protein change: p.Lys467Arg; replaces lysine 467 with arginine.
Molecular consequence: missense variant.
Genome position (GRCh38, 1-based): chr16:13,935,332, A>G. VCF-style: chr16-13935332-A-G. GRCh37 (hg19) VCF-style: chr16-14029189-A-G.
Other names: short protein forms K467R.
Identifiers: ClinVar variation 2932257 (VCV002932257.3), dbSNP rs781758234, ClinGen allele CA7910460.

ClinVar aggregate classification (germline): Uncertain significance (1 of 4 stars; one submission).

Conditions:
Xeroderma pigmentosum, group F (XPF). Also called: XERODERMA PIGMENTOSUM, COMPLEMENTATION GROUP F; XERODERMA PIGMENTOSUM, TYPE F; Xeroderma pigmentosum, type 6; XERODERMA PIGMENTOSUM VI; XP, GROUP F; ERCC4-Related Xeroderma Pigmentosum. Identifiers: MedGen C0268140, MONDO:0010215, OMIM 278760.
Fanconi anemia complementation group Q. Identifiers: Orphanet 84, MedGen C3808988, MONDO:0014108, OMIM 615272.
Cockayne syndrome. Identifiers: Orphanet 191, MedGen C0009207, MONDO:0016006.

Allele frequency attached by ClinVar (database versions not stated): gnomAD exomes below 0.00001; ExAC 0.00002.
gnomAD v4.1: 2 of 1,611,976 alleles (0.00012%); highest among the groups gnomAD compares: Non-Finnish European, 0.00017%; no homozygotes.

Submission:

Labcorp Genetics (formerly Invitae), Labcorp
Classification: Uncertain significance for Fanconi anemia complementation group Q; Xeroderma pigmentosum, group F; Cockayne syndrome. Last evaluated: 2024-10-24. Review status: criteria provided, single submitter. Criteria: Invitae Variant Classification Sherloc (09022015). Collection method: clinical testing. Allele origin: germline.
Comment: This sequence change replaces lysine, which is basic and polar, with arginine, which is basic and polar, at codon 467 of the ERCC4 protein (p.Lys467Arg). This variant is present in population databases (rs781758234, gnomAD 0.01%). This variant has not been reported in the literature in individuals affected with ERCC4-related conditions. Invitae Evidence Modeling of protein sequence and biophysical properties (such as structural, functional, and spatial information, amino acid conservation, physicochemical variation, residue mobility, and thermodynamic stability) indicates that this missense variant is not expected to disrupt ERCC4 protein function with a negative predictive value of 80%. In summary, the available evidence is currently insufficient to determine the role of this variant in disease. Therefore, it has been classified as a Variant of Uncertain Significance.